The following is an entry in ClinVar:

NM_002474.3(MYH11):c.265G>T (p.Asp89Tyr)

Gene: MYH11 (myosin heavy chain 11; minus strand). Cytogenetic location: 16p13.11.
Variant type: single nucleotide variant.
Coding change: c.265G>T on transcript NM_002474.3 (MANE Select); coding-DNA position 265, G replaced by T.
Protein change: p.Asp89Tyr; replaces aspartic acid 89 with tyrosine.
Molecular consequence: missense variant.
Genome position (GRCh38, 1-based): chr16:15,837,988, C>A on the plus strand (G>T on the coding strand, the complement: MYH11 is on the minus strand). VCF-style: chr16-15837988-C-A. GRCh37 (hg19) VCF-style: chr16-15931845-C-A.
Other names: c.265G>T, p.Asp89Tyr (NM_001040113.2, NM_001040114.2, NM_022844.3); short protein forms D89Y.
Identifiers: ClinVar variation 1047741 (VCV001047741.8), dbSNP rs2043945984, ClinGen allele CA395198310.

ClinVar aggregate classification (germline): Uncertain significance (1 of 4 stars; one submission).

Conditions:
Aortic aneurysm, familial thoracic 4 (AAT4). Also called: AORTIC ANEURYSM/AORTIC DISSECTION AND PATENT DUCTUS ARTERIOSUS. Identifiers: MedGen C1851504, MONDO:0007568, OMIM 132900.

Submission:

Labcorp Genetics (formerly Invitae), Labcorp
Classification: Uncertain significance for Aortic aneurysm, familial thoracic 4. Last evaluated: 2020-09-02. Review status: criteria provided, single submitter. Criteria: Invitae Variant Classification Sherloc (09022015). Collection method: clinical testing. Allele origin: germline.
Comment: Algorithms developed to predict the effect of missense changes on protein structure and function are either unavailable or do not agree on the potential impact of this missense change (SIFT: "Deleterious"; PolyPhen-2: "Probably Damaging"; Align-GVGD: "Class C15"). This sequence change replaces aspartic acid with tyrosine at codon 89 of the MYH11 protein (p.Asp89Tyr). The aspartic acid residue is highly conserved and there is a large physicochemical difference between aspartic acid and tyrosine. This variant is not present in population databases (ExAC no frequency). This variant has not been reported in the literature in individuals with MYH11-related conditions. In summary, the available evidence is currently insufficient to determine the role of this variant in disease. Therefore, it has been classified as a Variant of Uncertain Significance.